The following is an entry in ClinVar:

ClinVar aggregate classification (germline): Uncertain significance (1 of 4 stars; one submission).

gnomAD v4.1: 48 of 1,613,778 alleles (0.003%); highest among the groups gnomAD compares: East Asian, 0.013%; no homozygotes.

Submission:

Labcorp Genetics (formerly Invitae), Labcorp
Classification: Uncertain significance. Last evaluated: 2025-10-16. Review status: criteria provided, single submitter. Criteria: Invitae Variant Classification Sherloc (09022015). Collection method: clinical testing. Allele origin: germline.
Comment: This sequence change replaces arginine, which is basic and polar, with histidine, which is basic and polar, at codon 716 of the ADCY1 protein (p.Arg716His). This variant is present in population databases (rs748614348, gnomAD 0.01%). This variant has not been reported in the literature in individuals affected with ADCY1-related conditions. An algorithm developed to predict the effect of missense changes on protein structure and function (PolyPhen-2) suggests that this variant is likely to be tolerated. In summary, the available evidence is currently insufficient to determine the role of this variant in disease. Therefore, it has been classified as a Variant of Uncertain Significance.

NM_021116.4(ADCY1):c.2147G>A (p.Arg716His)

Gene: ADCY1 (adenylate cyclase 1; plus strand). Cytogenetic location: 7p12.3.
Variant type: single nucleotide variant.
Coding change: c.2147G>A on transcript NM_021116.4 (MANE Select); coding-DNA position 2147, G replaced by A.
Protein change: p.Arg716His; replaces arginine 716 with histidine.
Molecular consequence: missense variant.
Genome position (GRCh38, 1-based): chr7:45,686,035, G>A. VCF-style: chr7-45686035-G-A. GRCh37 (hg19) VCF-style: chr7-45725634-G-A.
Other names: short protein forms R716H.
Identifiers: ClinVar variation 4708075 (VCV004708075.1).
Genomic context (GRCh38, chr7:45,686,035, plus strand): 5'-CTTGGGCCTGGAGCTCCAAGCCCAACAGTTCCCTGGTGGTCCTTTCGTCTGGGGGCCAGC[G>A]CACAGCCCTGCCCACCCTGCCCTGCGAGTCTACACACCATGCCCTGCTCTGCTGCCTGGT-3'
Protein context (NP_066939.1, residues 706-726): SLVVLSSGGQ[Arg716His]TALPTLPCES